The following is an entry in ClinVar:

ClinVar aggregate classification (germline): Likely benign. Review status: criteria provided, multiple submitters, no conflicts (2 of 4 stars). 4 submissions from 4 submitters: Likely benign (3). 1 of the submissions does not count toward it. Last evaluated 2026-01-25.

Conditions:
ADAMTS17-related disorder. Also called: ADAMTS17-related condition.

Allele frequency attached by ClinVar (database versions not stated): 1000 Genomes Project 0.00100; gnomAD 0.00131; 1000 Genomes Project 30x 0.00141; TOPMed 0.00166; ESP Exome Variant Server 0.00180.
gnomAD v4.1: 445 of 1,545,428 alleles (0.029%); highest among the groups gnomAD compares: African/African-American, 0.51%; 3 homozygotes.

Submissions (4):

Labcorp Genetics (formerly Invitae), Labcorp
Classification: Likely benign. Last evaluated: 2026-01-25. Review status: criteria provided, single submitter. Criteria: Invitae Variant Classification Sherloc (09022015). Collection method: clinical testing. Allele origin: germline.

Blueprint Genetics
Classification: Likely benign. Last evaluated: 2024-03-12. Review status: criteria provided, single submitter. Criteria: ACMG Guidelines, 2015. Collection method: clinical testing. Allele origin: germline.

CeGaT Center for Human Genetics Tuebingen
Classification: Likely benign. Last evaluated: 2022-05-01. Review status: criteria provided, single submitter. Criteria: CeGaT Center For Human Genetics Tuebingen Variant Classification Criteria Version 2. Collection method: clinical testing. Allele origin: germline. Affected: yes. Observed: 1 variant allele.
Comment: ADAMTS17: BP4, BP7

PreventionGenetics, part of Exact Sciences
Classification: Likely benign for ADAMTS17-related condition. Last evaluated: 2019-03-01. Review status: no assertion criteria provided. Collection method: clinical testing. Allele origin: germline. Not counted in ClinVar's aggregate classification.
Comment: This variant is classified as likely benign based on ACMG/AMP sequence variant interpretation guidelines (Richards et al. 2015 PMID: 25741868, with internal and published modifications).

NM_139057.4(ADAMTS17):c.2955G>A (p.Ser985=)

Gene: ADAMTS17 (ADAM metallopeptidase with thrombospondin type 1 motif 17; minus strand). Cytogenetic location: 15q26.3.
Variant type: single nucleotide variant.
Coding change: c.2955G>A on transcript NM_139057.4 (MANE Select); coding-DNA position 2955, G replaced by A.
Protein change: p.Ser985=; no amino-acid change (serine 985 retained).
Molecular consequence: synonymous variant.
Genome position (GRCh38, 1-based): chr15:99,976,217, C>T on the plus strand (G>A on the coding strand, the complement: ADAMTS17 is on the minus strand). VCF-style: chr15-99976217-C-T. GRCh37 (hg19) VCF-style: chr15-100516422-C-T.
Identifiers: ClinVar variation 710081 (VCV000710081.34), dbSNP rs139663417, ClinGen allele CA7757502.